The following is an entry in ClinVar:

NM_207361.6(FREM2):c.6606G>A (p.Glu2202=)

Gene: FREM2 (FRAS1 related extracellular matrix 2; plus strand). Cytogenetic location: 13q13.3.
Variant type: single nucleotide variant.
Coding change: c.6606G>A on transcript NM_207361.6 (MANE Select); coding-DNA position 6606, G replaced by A.
Protein change: p.Glu2202=; no amino-acid change (glutamic acid 2202 retained).
Molecular consequence: synonymous variant.
Genome position (GRCh38, 1-based): chr13:38,850,972, G>A. VCF-style: chr13-38850972-G-A. GRCh37 (hg19) VCF-style: chr13-39425109-G-A.
Other names: p.Glu2202=.
Identifiers: ClinVar variation 312010 (VCV000312010.16), dbSNP rs61749310, ClinGen allele CA6955626.

ClinVar aggregate classification (germline): Benign. Review status: criteria provided, multiple submitters, no conflicts (2 of 4 stars). 4 submissions from 4 submitters: Benign (4). Last evaluated 2026-02-04.

Conditions:
Fraser syndrome 2 (FRASRS2). Identifiers: MedGen C4540036, MONDO:0054738, OMIM 617666.

Allele frequency attached by ClinVar (database versions not stated): gnomAD exomes 0.00166 and 0.00426; ExAC 0.00530; gnomAD 0.01697 and 0.01827; 1000 Genomes Project 0.01777; ESP Exome Variant Server 0.01845; 1000 Genomes Project 30x 0.01874; TOPMed 0.01938.
gnomAD v4.1: 5,119 of 1,613,092 alleles (0.32%); highest among the groups gnomAD compares: African/African-American, 6%; 146 homozygotes.

Submissions (4):

Labcorp Genetics (formerly Invitae), Labcorp
Classification: Benign. Last evaluated: 2026-02-04. Review status: criteria provided, single submitter. Criteria: Invitae Variant Classification Sherloc (09022015). Collection method: clinical testing. Allele origin: germline.

Mayo Clinic Laboratories, Mayo Clinic
Classification: Benign. Last evaluated: 2023-04-03. Review status: criteria provided, single submitter. Criteria: ACMG Guidelines, 2015. Collection method: clinical testing. Allele origin: germline. Observed: 1 variant allele.

Illumina Laboratory Services, Illumina
Classification: Benign for Fraser syndrome 2. Last evaluated: 2018-01-12. Review status: criteria provided, single submitter. Criteria: ICSL Variant Classification Criteria 13 December 2019. Collection method: clinical testing. Allele origin: germline.
Comment: This variant was observed in the ICSL laboratory as part of a predisposition screen in an ostensibly healthy population. It had not been previously curated by ICSL or reported in the Human Gene Mutation Database (HGMD: prior to June 1st, 2018), and was therefore a candidate for classification through an automated scoring system. Utilizing variant allele frequency, disease prevalence and penetrance estimates, and inheritance mode, an automated score was calculated to assess if this variant is too frequent to cause the disease. Based on the score and internal cut-off values, a variant classified as benign is not then subjected to further curation. The score for this variant resulted in a classification of benign for this disease.

Breakthrough Genomics
Classification: Benign. Review status: criteria provided, single submitter. Criteria: ACMG Guidelines, 2015. Collection method: not provided. Allele origin: germline. Inheritance: Autosomal recessive inheritance. Affected: yes.